The following is an entry in ClinVar:

ClinVar aggregate classification (germline): Pathogenic (1 of 4 stars; one submission).

Conditions:
Hereditary nonpolyposis colorectal neoplasms. Identifiers: MedGen C0009405, MeSH D003123.

Submission:

Labcorp Genetics (formerly Invitae), Labcorp
Classification: Pathogenic for Hereditary nonpolyposis colorectal neoplasms. Last evaluated: 2022-11-23. Review status: criteria provided, single submitter. Criteria: Invitae Variant Classification Sherloc (09022015). Collection method: clinical testing. Allele origin: germline.
Comment: For these reasons, this variant has been classified as Pathogenic. This variant has not been reported in the literature in individuals affected with MSH6-related conditions. This variant is not present in population databases (gnomAD no frequency). This sequence change creates a premature translational stop signal (p.Glu619Lysfs*3) in the MSH6 gene. It is expected to result in an absent or disrupted protein product. Loss-of-function variants in MSH6 are known to be pathogenic (PMID: 18269114, 24362816).

Literature cited by the submitters: PubMed 18269114; PubMed 24362816.

NM_000179.3(MSH6):c.1855del (p.Glu619fs)

Gene: MSH6 (mutS homolog 6; plus strand). Cytogenetic location: 2p16.3.
Variant type: Deletion.
Coding change: c.1855del on transcript NM_000179.3 (MANE Select); coding-DNA position 1855, one base deleted (G; older notation c.1855delG).
Protein change: p.Glu619fs; shifts the reading frame from glutamic acid 619.
Molecular consequence: frameshift variant.
Genome position (GRCh38, 1-based): chr2:47,799,838, G deleted; the last of 2 consecutive G bases (chr2:47,799,837-47,799,838); deleting either gives the same sequence. VCF-style (leftmost placement, unchanged base first): chr2-47799836-AG-A. GRCh37 (hg19) VCF-style: chr2-48026975-AG-A.
Other names: c.1465del, p.Glu489fs (NM_001281492.2); c.949del, p.Glu317fs (NM_001281493.2, NM_001281494.2); c.1951delG, p.Glu651Lysfs (NM_001406795.1, NM_001406802.1); c.1855delG, p.Glu619Lysfs (NM_001406796.1, NM_001406798.1, NM_001406800.1 and 3 more transcripts); c.1558delG, p.Glu520Lysfs (NM_001406797.1, NM_001406801.1, NM_001406805.1 and 10 more transcripts); c.1330delG, p.Glu444Lysfs (NM_001406799.1, NM_001406806.1, NM_001406807.1); c.1777delG, p.Glu593Lysfs (NM_001406804.1); c.949delG, p.Glu317Lysfs (NM_001406811.1, NM_001406812.1, NM_001406814.1 and 4 more transcripts); and 2 more; short protein forms E619fs, E317fs, E489fs.
Identifiers: ClinVar variation 2021692 (VCV002021692.4), dbSNP rs2530634384, ClinGen allele CA2580067716.
Genomic context (GRCh38, chr2:47,799,836, plus strand): 5'-AAGGAAATCTCTCAAAGGAAACTAAAACAATTCTAAAGAGTTCATTGTCCTGTTCTCTTC[AG>A]GAAGGTCTGATACCCGGCTCCCAGTTTTGGGATGCATCCAAAACTTTGAGAACTCTCCTT-3'